The following is an entry in ClinVar:

ClinVar aggregate classification (germline): Benign. Review status: reviewed by expert panel (3 of 4 stars). 16 submissions from 15 submitters: Benign (1). 15 of the submissions do not count toward it. Last evaluated 2019-06-18.

Conditions:
Hereditary cancer-predisposing syndrome. Also called: Neoplastic Syndromes, Hereditary; Tumor predisposition; Hereditary Cancer Syndrome; Hereditary neoplastic syndrome. Identifiers: Orphanet 140162, MedGen C0027672, MeSH D009386, MONDO:0015356.
Hereditary breast ovarian cancer syndrome. Also called: Hereditary breast and ovarian cancer syndrome; Hereditary breast and ovarian cancer; Hereditary breast and ovarian cancer syndrome (HBOC); Breast and ovarian cancer; Hereditary breast and/or ovarian cancer syndrome; BRCA1- and BRCA2-Associated Hereditary Breast and Ovarian Cancer. Identifiers: Orphanet 145, MedGen C0677776, MeSH D061325, MONDO:0003582. Disease mechanism: loss of function.
Fanconi anemia complementation group D1. Also called: BRCA2-Related Fanconi Anemia. Identifiers: Orphanet 319462, MedGen C1838457, MONDO:0011584, OMIM 605724.
Breast-ovarian cancer, familial, susceptibility to, 2 (BROVCA2). Also called: BRCA2 Hereditary Breast and Ovarian Cancer. Identifiers: Orphanet 145, MedGen C2675520, MONDO:0012933, OMIM 612555. Disease mechanism: loss of function.

Allele frequency attached by ClinVar (database versions not stated): TOPMed 0.00003; gnomAD 0.00004 and 0.00005; gnomAD exomes 0.00004 and 0.00006; ExAC 0.00005; ESP Exome Variant Server 0.00008.
gnomAD v4.1: 94 of 1,613,806 alleles (0.0058%); highest among the groups gnomAD compares: Middle Eastern, 0.033%; 1 homozygote.

Submissions (16):

Evidence-based Network for the Interpretation of Germline Mutant Alleles (ENIGMA)
Classification: Benign for Breast-ovarian cancer, familial, susceptibility to, 2. Last evaluated: 2019-06-18. Review status: reviewed by expert panel. Criteria: ENIGMA BRCA1/2 Classification Criteria (2017-06-29). Collection method: curation. Allele origin: germline.
Comment: IARC class based on posterior probability from multifactorial likelihood analysis, thresholds for class as per Plon et al. 2008 (PMID: 18951446). Class 1 based on posterior probability = 0.000661

Labcorp Genetics (formerly Invitae), Labcorp
Classification: Likely benign for Hereditary breast ovarian cancer syndrome. Last evaluated: 2025-12-22. Review status: criteria provided, single submitter. Criteria: Invitae Variant Classification Sherloc (09022015). Collection method: clinical testing. Allele origin: germline. Not counted in ClinVar's aggregate classification.

Women's Health and Genetics/Laboratory Corporation of America, LabCorp
Classification: Likely benign. Last evaluated: 2025-07-10. Review status: criteria provided, single submitter. Criteria: LabCorp Variant Classification Summary - May 2015. Collection method: clinical testing. Allele origin: germline. Not counted in ClinVar's aggregate classification.
Comment: Variant summary: BRCA2 c.2987T>G (p.Leu996Arg) results in a non-conservative amino acid change in the encoded protein sequence. Algorithms developed to predict the effect of missense changes on protein structure and function are either unavailable or do not agree on the potential impact of this missense change. The variant allele was found at a frequency of 3.5e-05 in 281972 control chromosomes, predominantly at a frequency of 6.2e-05 within the Non-Finnish European subpopulation in the gnomAD database. The available data on variant occurrences in the general population are insufficient to allow any conclusion about variant significance. c.2987T>G has been reported in the literature once in a cohort of 493 Australian patients with triple negative breast cancer (Wong-Brown_2015). This report does not provide unequivocal conclusions about association of the variant with Hereditary Breast and Ovarian Cancer. These report(s) do not provide unequivocal conclusions about association of the variant with Hereditary Breast And Ovarian Cancer Syndrome. At-least one co-occurrence with another pathogenic variant has been reported (BRCA2 legacy name 4075delGT, c.3847_3848delGT, p.Val1283fsX2) in a patient affected with ovarian cancer with a family history significant for breast cancer in two sisters and in two nieces all of whom were positive for BRCA2 mutation (Root_2012). These data provide supporting evidence for a benign role of the variant. To our knowledge, no experimental evidence demonstrating an impact on protein function has been reported. The following publications have been ascertained in the context of this evaluation (PMID: 33978741, 22753899, 25682074). ClinVar contains an entry for this variant (Variation ID: 51381). Based on the evidence outlined above, the variant was classified as likely benign.

Center for Genomic Medicine, Rigshospitalet, Copenhagen University Hospital
Classification: Benign. Last evaluated: 2025-03-04. Review status: criteria provided, single submitter. Criteria: ACMG Guidelines, 2015. Collection method: clinical testing. Allele origin: germline. Not counted in ClinVar's aggregate classification.

Quest Diagnostics Nichols Institute San Juan Capistrano
Classification: Benign. Last evaluated: 2023-12-15. Review status: criteria provided, single submitter. Criteria: Quest Diagnostics criteria. Collection method: clinical testing. Allele origin: unknown. Not counted in ClinVar's aggregate classification.

Sema4
Classification: Likely benign for Hereditary cancer-predisposing syndrome. Last evaluated: 2021-12-28. Review status: criteria provided, single submitter. Criteria: Sema4 Curation Guidelines. Collection method: curation. Allele origin: germline. Not counted in ClinVar's aggregate classification.

GeneDx
Classification: Likely benign. Last evaluated: 2020-06-01. Review status: criteria provided, single submitter. Criteria: GeneDx Variant Classification Process June 2021. Collection method: clinical testing. Allele origin: germline. Affected: yes. Not counted in ClinVar's aggregate classification.
Comment: This variant is associated with the following publications: (PMID: 22753899, 23929434, 31131967, 25682074)

ARUP Laboratories, Molecular Genetics and Genomics, ARUP Laboratories
Classification: Likely benign. Last evaluated: 2019-12-21. Review status: criteria provided, single submitter. Criteria: ARUP Molecular Germline Variant Investigation Process. Collection method: clinical testing. Allele origin: germline. Not counted in ClinVar's aggregate classification.

Mendelics
Classification: Likely benign for Breast-ovarian cancer, familial, susceptibility to, 2. Last evaluated: 2019-05-28. Review status: criteria provided, single submitter. Criteria: Mendelics Assertion Criteria 2017. Collection method: clinical testing. Allele origin: unknown. Not counted in ClinVar's aggregate classification.

Ambry Genetics
Classification: Likely benign for Hereditary cancer-predisposing syndrome. Last evaluated: 2018-10-01. Review status: criteria provided, single submitter. Criteria: Ambry Variant Classification Scheme 2023. Collection method: clinical testing. Allele origin: germline. Not counted in ClinVar's aggregate classification.

Illumina Laboratory Services, Illumina
Classification: Uncertain significance for Breast-ovarian cancer, familial, susceptibility to, 2. Last evaluated: 2018-01-13. Review status: criteria provided, single submitter. Criteria: ICSL Variant Classification Criteria 13 December 2019. Collection method: clinical testing. Allele origin: germline. Not counted in ClinVar's aggregate classification.

Illumina Laboratory Services, Illumina
Classification: Uncertain significance for Fanconi anemia complementation group D1. Last evaluated: 2018-01-13. Review status: criteria provided, single submitter. Criteria: ICSL Variant Classification Criteria 13 December 2019. Collection method: clinical testing. Allele origin: germline. Not counted in ClinVar's aggregate classification.

PreventionGenetics, part of Exact Sciences
Classification: Likely benign. Last evaluated: 2017-12-11. Review status: criteria provided, single submitter. Criteria: ACMG Guidelines, 2015. Collection method: clinical testing. Allele origin: germline. Not counted in ClinVar's aggregate classification.

Color Diagnostics, LLC DBA Color Health
Classification: Likely benign for Hereditary cancer-predisposing syndrome. Last evaluated: 2016-12-21. Review status: criteria provided, single submitter. Criteria: ACMG Guidelines, 2015. Collection method: clinical testing. Allele origin: germline. Not counted in ClinVar's aggregate classification.

BRCAlab, Lund University
Classification: Benign for Breast-ovarian cancer, familial, susceptibility to, 2. Last evaluated: 2020-03-02. Review status: no assertion criteria provided. Collection method: clinical testing. Allele origin: germline. Affected: yes. Not counted in ClinVar's aggregate classification.

Breast Cancer Information Core (BIC) (BRCA2)
Classification: Uncertain significance for Breast-ovarian cancer, familial 2. Last evaluated: 2003-12-23. Review status: no assertion criteria provided. Collection method: clinical testing. Allele origin: germline. Affected: yes. Observed: 2 variant alleles. Not counted in ClinVar's aggregate classification.

Literature cited by the submitters: PubMed 31131967 (cited by Evidence-based Network for the Interpretation of Germline Mutant Alleles (ENIGMA) and Quest Diagnostics Nichols Institute San Juan Capistrano); PubMed 22753899 (cited by 3 submitters); PubMed 25682074 (cited by 3 submitters); PubMed 33978741 (cited by Women's Health and Genetics/Laboratory Corporation of America, LabCorp); PubMed 33471991 (cited by Quest Diagnostics Nichols Institute San Juan Capistrano and Sema4); PubMed 37922907 (cited by Quest Diagnostics Nichols Institute San Juan Capistrano).

NM_000059.4(BRCA2):c.2987T>G (p.Leu996Arg)

Gene: BRCA2 (BRCA2 DNA repair associated; plus strand). Cytogenetic location: 13q13.1.
Variant type: single nucleotide variant.
Coding change: c.2987T>G on transcript NM_000059.4 (MANE Select); coding-DNA position 2987, T replaced by G.
Protein change: p.Leu996Arg; replaces leucine 996 with arginine.
Molecular consequence: missense variant.
Genome position (GRCh38, 1-based): chr13:32,337,342, T>G. VCF-style: chr13-32337342-T-G. GRCh37 (hg19) VCF-style: chr13-32911479-T-G.
Other names: p.L996R:CTC>CGC; short protein forms L996R.
Identifiers: ClinVar variation 51381 (VCV000051381.42), dbSNP rs80358545, ClinGen allele CA016971.